The following is an entry in ClinVar:

ClinVar aggregate classification (germline): Conflicting classifications of pathogenicity. Review status: criteria provided, conflicting classifications (1 of 4 stars). 2 submissions from 2 submitters: Uncertain significance (1); Likely benign (1). Last evaluated 2024-09-11.

Allele frequency attached by ClinVar (database versions not stated): ExAC 0.00001; gnomAD 0.00002 and 0.00001; ESP Exome Variant Server 0.00008; gnomAD exomes 0.00001.
gnomAD v4.1: 8 of 1,613,126 alleles (0.0005%); highest among the groups gnomAD compares: East Asian, 0.0067%; no homozygotes.

Submissions (2):

Labcorp Genetics (formerly Invitae), Labcorp
Classification: Likely benign. Last evaluated: 2024-09-11. Review status: criteria provided, single submitter. Criteria: Invitae Variant Classification Sherloc (09022015). Collection method: clinical testing. Allele origin: germline.

Center for Pediatric Genomic Medicine, Children's Mercy Hospital and Clinics
Classification: Uncertain significance. Last evaluated: 2015-09-29. Review status: criteria provided, single submitter. Criteria: ACMG Guidelines, 2015. Collection method: clinical testing. Allele origin: germline.
ClinVar note: Converted during submission from Uncertain Significance to Uncertain significance.

NM_022455.5(NSD1):c.7753G>A (p.Gly2585Arg)

Gene: NSD1 (nuclear receptor binding SET domain protein 1; plus strand). Cytogenetic location: 5q35.3.
Variant type: single nucleotide variant.
Coding change: c.7753G>A on transcript NM_022455.5 (MANE Select); coding-DNA position 7753, G replaced by A.
Protein change: p.Gly2585Arg; replaces glycine 2585 with arginine.
Molecular consequence: missense variant.
Genome position (GRCh38, 1-based): chr5:177,295,121, G>A. VCF-style: chr5-177295121-G-A. GRCh37 (hg19) VCF-style: chr5-176722122-G-A.
Other names: c.7753G>A, p.Gly2585Arg (NM_001409302.1, NM_001409303.1, NM_001409301.1); c.7333G>A, p.Gly2445Arg (NM_001409304.1); c.7000G>A, p.Gly2334Arg (NM_001409305.1); c.6991G>A, p.Gly2331Arg (NM_001409306.1, NM_001409307.1); c.6880G>A, p.Gly2294Arg (NM_001409308.1, NM_172349.5, NM_001365684.2); c.6631G>A, p.Gly2211Arg (NM_001409309.1); short protein forms G2585R, G2316R, G2294R, G2331R, G2334R, G2445R, G2211R.
Identifiers: ClinVar variation 235572 (VCV000235572.8), dbSNP rs140839289, ClinGen allele CA3578176.